The following is an entry in ClinVar:

ClinVar aggregate classification (germline): Uncertain significance (1 of 4 stars; one submission).

Conditions:
Dilated cardiomyopathy 1O (CMD1O). Also called: CARDIOMYOPATHY, DILATED, WITH VENTRICULAR TACHYCARDIA. Identifiers: Orphanet 154, MedGen C1837839, MONDO:0012062, OMIM 608569.

Allele frequency attached by ClinVar (database versions not stated): gnomAD exomes below 0.00001.
gnomAD v4.1: 1 of 1,613,634 alleles (0.000062%); highest among the groups gnomAD compares: East Asian, 0.0022%; no homozygotes.

Submission:

Labcorp Genetics (formerly Invitae), Labcorp
Classification: Uncertain significance for Dilated cardiomyopathy 1O. Last evaluated: 2019-02-20. Review status: criteria provided, single submitter. Criteria: Invitae Variant Classification Sherloc (09022015). Collection method: clinical testing. Allele origin: germline.
Comment: This sequence change replaces proline with serine at codon 1088 of the ABCC9 protein (p.Pro1088Ser). The proline residue is moderately conserved and there is a moderate physicochemical difference between proline and serine. This variant is not present in population databases (ExAC no frequency). This variant has not been reported in the literature in individuals with ABCC9-related conditions. Algorithms developed to predict the effect of missense changes on protein structure and function are either unavailable or do not agree on the potential impact of this missense change (SIFT: "Deleterious"; PolyPhen-2: "Probably Damaging"; Align-GVGD: "Class C0"). In summary, the available evidence is currently insufficient to determine the role of this variant in disease. Therefore, it has been classified as a Variant of Uncertain Significance.

NM_020297.4(ABCC9):c.3262C>T (p.Pro1088Ser)

Gene: ABCC9 (ATP binding cassette subfamily C member 9; minus strand). Cytogenetic location: 12p12.1.
Variant type: single nucleotide variant.
Coding change: c.3262C>T on transcript NM_020297.4 (MANE Select); coding-DNA position 3262, C replaced by T.
Protein change: p.Pro1088Ser; replaces proline 1088 with serine.
Molecular consequence: missense variant.
Genome position (GRCh38, 1-based): chr12:21,844,536, G>A on the plus strand (C>T on the coding strand, the complement: ABCC9 is on the minus strand). VCF-style: chr12-21844536-G-A. GRCh37 (hg19) VCF-style: chr12-21997470-G-A.
Other names: c.3262C>T, p.Pro1088Ser (NM_001377273.1, NM_005691.4); c.2395C>T, p.Pro799Ser (NM_001377274.1); short protein forms P799S, P1088S.
Identifiers: ClinVar variation 847343 (VCV000847343.9), dbSNP rs1944536410, ClinGen allele CA384118187.
Genomic context (GRCh38, chr12:21,844,536, plus strand): 5'-TACTCACCTGATCAATGATATTAGTATCAGCTGAAAAGCGATTGAGAATCAGTCCCAGGG[G>A]TGTGGTATCAAAAAACCTAGGCAATAAACAGATGGAAGTATATGATAATACTAAACTATT-3'
Protein context (NP_064693.2, residues 1078-1098): LGPIRFFDTT[Pro1088Ser]LGLILNRFSA